The following is an entry in ClinVar:

NM_001282531.3(ADNP):c.3181_3182delinsAG (p.Gln1061Arg)

Gene: ADNP (activity dependent neuroprotector homeobox; minus strand). Cytogenetic location: 20q13.13.
Variant type: Indel.
Coding change: c.3181_3182delinsAG on transcript NM_001282531.3 (MANE Select); coding-DNA positions 3181 to 3182, CA replaced by AG.
Protein change: p.Gln1061Arg; replaces glutamine 1061 with arginine.
Molecular consequence: missense variant.
Genome position (GRCh38, 1-based): chr20:50,891,532-50,891,533, TG replaced by CT on the plus strand (CA replaced by AG on the coding strand, the reverse complement: ADNP is on the minus strand). VCF-style: chr20-50891532-TG-CT. GRCh37 (hg19) VCF-style: chr20-49508069-TG-CT.
Other names: c.3181_3182delinsAG, p.Gln1061Arg (NM_001282532.2, NM_001347511.2, NM_015339.5 and 1 more transcripts); short protein forms Q1061R.
Identifiers: ClinVar variation 3364906 (VCV003364906.1).
Genomic context (GRCh38, chr20:50,891,532, plus strand): 5'-GTCATGTTGTCAAACTGTTCCCCATCCTCACTGTCAATTGTGCTATTCTGCCACTCAATC[TG>CT]GGGGTTAGATAAGCGCTCATCATTCTCAGATGCATTCTTCCACTGTGACTGGTCCTTAGA-3'
Protein context (NP_001269460.1, residues 1051-1071): SENDERLSNP[Gln1061Arg]IEWQNSTIDS

ClinVar aggregate classification (germline): Uncertain significance (1 of 4 stars; one submission).

Submission:

GeneDx
Classification: Uncertain significance. Last evaluated: 2023-11-27. Review status: criteria provided, single submitter. Criteria: GeneDx Variant Classification Process June 2021. Collection method: clinical testing. Allele origin: germline. Affected: yes.
Comment: Not observed at significant frequency in large population cohorts (gnomAD); In silico analysis supports a deleterious effect on protein structure/function; Has not been previously published as pathogenic or benign to our knowledge